The following is an entry in ClinVar:

ClinVar aggregate classification (germline): Uncertain significance (1 of 4 stars; one submission).

Submission:

Dasa
Classification: Uncertain significance. Last evaluated: 2024-10-17. Review status: criteria provided, single submitter. Criteria: DASA Assertion Criteria. Collection method: clinical testing. Allele origin: germline.
Comment: NM_001244008.2(KIF1A):c.67G>T (p.Asp23Tyr) is a missense variant that results in the substitution of aspartic acid with tyrosine. The affected residue or protein region has prior evidence supporting clinical relevance. This variant is rare in population databases. The currently available literature and clinical evidence are not sufficient to establish a definitive association between this variant and the reported condition. Therefore, this variant is classified as a variant of uncertain significance.

NM_001244008.2(KIF1A):c.67G>T (p.Asp23Tyr)

Gene: KIF1A (kinesin family member 1A; minus strand). Cytogenetic location: 2q37.3.
Variant type: single nucleotide variant.
Coding change: c.67G>T on transcript NM_001244008.2 (MANE Select); coding-DNA position 67, G replaced by T.
Protein change: p.Asp23Tyr; replaces aspartic acid 23 with tyrosine.
Molecular consequence: missense variant.
Genome position (GRCh38, 1-based): chr2:240,797,686, C>A on the plus strand (G>T on the coding strand, the complement: KIF1A is on the minus strand). VCF-style: chr2-240797686-C-A. GRCh37 (hg19) VCF-style: chr2-241737103-C-A.
Other names: c.67G>T, p.Asp23Tyr (NM_001320705.2, NM_001330289.2, NM_001330290.2 and 20 more transcripts); short protein forms D23Y.
Identifiers: ClinVar variation 4882046 (VCV004882046.2).